The following is an entry in ClinVar:

ClinVar aggregate classification (germline): Likely pathogenic (1 of 4 stars; one submission).

Conditions:
Liver disease, severe congenital (SCOLIV). Also called: FOCAD DEFICIENCY. Identifiers: MedGen C5774195, MONDO:0859273, OMIM 619991.

Submission:

3billion
Classification: Likely pathogenic for Liver disease, severe congenital. Last evaluated: 2024-08-30. Review status: criteria provided, single submitter. Criteria: ACMG Guidelines, 2015. Collection method: clinical testing. Allele origin: germline. Affected: yes.
Comment: The variant is not observed in the gnomAD v4.0.0 dataset. Predicted Consequence/Location: Frameshift: predicted to result in a loss or disruption of normal protein function through nonsense-mediated decay (NMD) or protein truncation. Therefore, this variant is classified as Likely pathogenic according to the recommendation of ACMG/AMP guideline.

NM_001375567.1(FOCAD):c.5231_5241del (p.Glu1744fs)

Gene: FOCAD (focadhesin; plus strand). Cytogenetic location: 9p21.3.
Variant type: Deletion.
Coding change: c.5231_5241del on transcript NM_001375567.1 (MANE Select); coding-DNA positions 5231 to 5241, 11 bases deleted (AGCCATGGAAG).
Protein change: p.Glu1744fs; shifts the reading frame from glutamic acid 1744.
Molecular consequence: frameshift variant.
Genome position (GRCh38, 1-based): chr9:20,990,349-20,990,359, AGCCATGGAAG deleted; deleting any 11 consecutive bases within chr9:20,990,346-20,990,359 gives the same sequence; the c. name uses the placement nearest the transcript's 3' end. VCF-style (leftmost placement, unchanged base first): chr9-20990345-AAAGAGCCATGG-A. GRCh37 (hg19) VCF-style: chr9-20990344-AAAGAGCCATGG-A.
Other names: c.5126_5136del, p.Glu1709fs (NM_001375568.1, NM_001375570.1); c.5231_5241del, p.Glu1744fs (NM_017794.5); short protein forms E1709fs, E1744fs.
Identifiers: ClinVar variation 4293222 (VCV004293222.1).